The following is an entry in ClinVar:

ClinVar aggregate classification (germline): Pathogenic/Likely pathogenic. Review status: criteria provided, multiple submitters, no conflicts (2 of 4 stars). 3 submissions from 3 submitters: Pathogenic (2); Likely pathogenic (1). Last evaluated 2025-10-08.

Conditions:
Ornithine aminotransferase deficiency (GACR). Also called: OKT DEFICIENCY; Ornithine ketoacid aminotransferase deficiency; Gyrate atrophy; Gyrate atrophy of choroid and retina; Girate atrophy of the retina; OAT DEFICIENCY. Identifiers: Orphanet 414, MedGen C0018425, MONDO:0009796, OMIM 258870.

Allele frequency attached by ClinVar (database versions not stated): gnomAD 0.00001; TOPMed 0.00001.
gnomAD v4.1: 3 of 1,613,902 alleles (0.00019%); highest among the groups gnomAD compares: Non-Finnish European, 0.00025%; no homozygotes.

Submissions (3):

Natera, Inc.
Classification: Pathogenic for Gyrate atrophy. Last evaluated: 2025-10-08. Review status: criteria provided, single submitter. Criteria: Natera Variant Classification Schema (03/2026). Collection method: clinical testing. Allele origin: germline.
Comment: The c.796C>T variant in OAT is a nonsense variant predicted to introduce a stop codon at amino acid 266. This variant is expected to result in nonsense mediated decay, truncation, or a dysfunctional protein product. This variant is rare in the general population with a frequency below the threshold expected for the associated phenotype(s). This variant has been observed in one or more individuals affected with the associated recessive disease, as either homozygous or compound heterozygous with a second variant (PMID: 39644342). Additionally, this variant has been observed to segregate in affected family members (PMID: 39644342). Given the available evidence, this variant is classified as Pathogenic.

Labcorp Genetics (formerly Invitae), Labcorp
Classification: Pathogenic for Ornithine aminotransferase deficiency. Last evaluated: 2024-04-07. Review status: criteria provided, single submitter. Criteria: Invitae Variant Classification Sherloc (09022015). Collection method: clinical testing. Allele origin: germline.
Comment: This sequence change creates a premature translational stop signal (p.Gln266*) in the OAT gene. It is expected to result in an absent or disrupted protein product. Loss-of-function variants in OAT are known to be pathogenic (PMID: 1737786, 23076989). This variant is not present in population databases (gnomAD no frequency). This variant has not been reported in the literature in individuals affected with OAT-related conditions. ClinVar contains an entry for this variant (Variation ID: 1452949). For these reasons, this variant has been classified as Pathogenic.

Baylor Genetics
Classification: Likely pathogenic for Ornithine aminotransferase deficiency. Last evaluated: 2024-02-29. Review status: criteria provided, single submitter. Criteria: ACMG Guidelines, 2015. Collection method: clinical testing. Allele origin: unknown.

Literature cited by the submitters: PubMed 39644342 (cited by Natera, Inc.); PubMed 1737786 (cited by Labcorp Genetics (formerly Invitae), Labcorp); PubMed 23076989 (cited by Labcorp Genetics (formerly Invitae), Labcorp).

NM_000274.4(OAT):c.796C>T (p.Gln266Ter)

Gene: OAT (ornithine aminotransferase; minus strand). Cytogenetic location: 10q26.13.
Variant type: single nucleotide variant.
Coding change: c.796C>T on transcript NM_000274.4 (MANE Select); coding-DNA position 796, C replaced by T.
Protein change: p.Gln266Ter; replaces glutamine 266 with a stop codon.
Molecular consequence: nonsense.
Genome position (GRCh38, 1-based): chr10:124,403,031, G>A on the plus strand (C>T on the coding strand, the complement: OAT is on the minus strand). VCF-style: chr10-124403031-G-A. GRCh37 (hg19) VCF-style: chr10-126091600-G-A.
Other names: c.796C>T (NM_000274.3); c.382C>T, p.Gln128Ter (NM_001171814.2); c.796C>T, p.Gln266Ter (NM_001322965.2, NM_001322966.2, NM_001322967.2 and 3 more transcripts); c.475C>T, p.Gln159Ter (NM_001322971.2); c.196C>T, p.Gln66Ter (NM_001322974.2); short protein forms Q128*, Q159*, Q266*, Q66*.
Identifiers: ClinVar variation 1452949 (VCV001452949.9), dbSNP rs1951458291, ClinGen allele CA378635591.
Genomic context (GRCh38, chr10:124,403,031, plus strand): 5'-CAGGTCTGACATTTTCATAATCAACAGCCAGCCATCTACCAGTTCTGGCCAATCCTGTCT[G>A]TATTTCATCAGCAATAAAGAGAACCTATTGGGGAAAAAAAATACCCCTATTAGTGATCAC-3'